The following is an entry in ClinVar:

ClinVar aggregate classification (germline): Uncertain significance (1 of 4 stars; one submission).

Conditions:
FG syndrome (FGS). Identifiers: MedGen C0220769, MONDO:0002010.

Submission:

Labcorp Genetics (formerly Invitae), Labcorp
Classification: Uncertain significance for FG syndrome. Last evaluated: 2024-08-06. Review status: criteria provided, single submitter. Criteria: Invitae Variant Classification Sherloc (09022015). Collection method: clinical testing. Allele origin: germline.
Comment: This sequence change falls in intron 1 of the MED12 gene. It does not directly change the encoded amino acid sequence of the MED12 protein. This variant is not present in population databases (gnomAD no frequency). This variant has not been reported in the literature in individuals affected with MED12-related conditions. ClinVar contains an entry for this variant (Variation ID: 2031672). Algorithms developed to predict the effect of sequence changes on RNA splicing suggest that this variant may disrupt the consensus splice site. In summary, the available evidence is currently insufficient to determine the role of this variant in disease. Therefore, it has been classified as a Variant of Uncertain Significance.

NM_005120.3(MED12):c.100-11T>G

Gene: MED12 (mediator complex subunit 12; plus strand). Cytogenetic location: Xq13.1.
Variant type: single nucleotide variant.
Coding change: c.100-11T>G on transcript NM_005120.3 (MANE Select); 11 bases into the intron before coding-DNA position 100, T replaced by G.
Molecular consequence: intron variant.
Genome position (GRCh38, 1-based): chrX:71,119,362, T>G. VCF-style: chrX-71119362-T-G. GRCh37 (hg19) VCF-style: chrX-70339212-T-G.
Identifiers: ClinVar variation 2031672 (VCV002031672.4), dbSNP rs2519660475, ClinGen allele CA2580101308.
Genomic context (GRCh38, chrX:71,119,362, plus strand): 5'-CTGCCCTACTCTCCCACCCCTTCCCCCTTCCCCTAAGGAAAAAACAACTAAACGCCGCTT[T>G]CCTGCCTCAGGATGAACTGACGGCCTTGAATGTAAAACAAGGTTTCAATAACCAGCCTGC-3'